The following is an entry in ClinVar:

NM_004380.3(CREBBP):c.4980C>G (p.Leu1660=)

Gene: CREBBP (CREB binding lysine acetyltransferase; minus strand). Cytogenetic location: 16p13.3.
Variant type: single nucleotide variant.
Coding change: c.4980C>G on transcript NM_004380.3 (MANE Select); coding-DNA position 4980, C replaced by G.
Protein change: p.Leu1660=; no amino-acid change (leucine 1660 retained).
Molecular consequence: synonymous variant.
Genome position (GRCh38, 1-based): chr16:3,731,384, G>C on the plus strand (C>G on the coding strand, the complement: CREBBP is on the minus strand). VCF-style: chr16-3731384-G-C. GRCh37 (hg19) VCF-style: chr16-3781385-G-C.
Other names: c.4866C>G, p.Leu1622= (NM_001079846.1).
Identifiers: ClinVar variation 5041762 (VCV005041762.1).
Genomic context (GRCh38, chr16:3,731,384, plus strand): 5'-GGAGGAGAACTCCCAGTGCTTGTCTCTGGCGAGGGTGAGGAAGGCGTCGCGCCCATCCAT[G>C]AGGTCACAGCTGAGCAGGGGGTCGGGGTCGACGATGGGGGGCAGGGTGTTGATGACAGGC-3'
Protein context (NP_004371.2, residues 1650-1670): VDPDPLLSCD[Leu1660=]MDGRDAFLTL

ClinVar aggregate classification (germline): Likely benign (1 of 4 stars; one submission).

Submission:

CeGaT Center for Human Genetics Tuebingen
Classification: Likely benign. Last evaluated: 2026-09-01. Review status: criteria provided, single submitter. Criteria: CeGaT Center For Human Genetics Tuebingen Variant Classification Criteria Version 2. Collection method: clinical testing. Allele origin: germline. Affected: yes. Observed: 1 variant allele.
Comment: CREBBP: PM2:Supporting, BP4, BP7